The following is an entry in ClinVar:

ClinVar aggregate classification (germline): Conflicting classifications of pathogenicity. Review status: criteria provided, conflicting classifications (1 of 4 stars). 2 submissions from 2 submitters: Uncertain significance (1); Likely benign (1). Last evaluated 2025-09-23.

Conditions:
Cardiovascular phenotype. Identifiers: MedGen CN230736.
Alstrom syndrome (ALMS). Identifiers: Orphanet 64, MedGen C0268425, MONDO:0008763, OMIM 203800.

Allele frequency attached by ClinVar (database versions not stated): gnomAD exomes below 0.00001 and 0.00001; TOPMed 0.00002.
gnomAD v4.1: 14 of 1,614,152 alleles (0.00087%); highest among the groups gnomAD compares: Non-Finnish European, 0.0011%; no homozygotes.

Submissions (2):

Ambry Genetics
Classification: Likely benign for Cardiovascular phenotype. Last evaluated: 2025-09-23. Review status: criteria provided, single submitter. Criteria: Ambry Variant Classification Scheme 2023. Collection method: clinical testing. Allele origin: germline.

Labcorp Genetics (formerly Invitae), Labcorp
Classification: Uncertain significance for Alstrom syndrome. Last evaluated: 2022-08-16. Review status: criteria provided, single submitter. Criteria: Invitae Variant Classification Sherloc (09022015). Collection method: clinical testing. Allele origin: germline.
Comment: This sequence change replaces threonine, which is neutral and polar, with alanine, which is neutral and non-polar, at codon 851 of the ALMS1 protein (p.Thr851Ala). This variant is present in population databases (no rsID available, gnomAD 0.0009%). This variant has not been reported in the literature in individuals affected with ALMS1-related conditions. ClinVar contains an entry for this variant (Variation ID: 1404410). Experimental studies and prediction algorithms are not available or were not evaluated, and the functional significance of this variant is currently unknown. In summary, the available evidence is currently insufficient to determine the role of this variant in disease. Therefore, it has been classified as a Variant of Uncertain Significance.

NM_001378454.1(ALMS1):c.2548A>G (p.Thr850Ala)

Gene: ALMS1 (ALMS1 centrosome and basal body associated protein; plus strand). Cytogenetic location: 2p13.1.
Variant type: single nucleotide variant.
Coding change: c.2548A>G on transcript NM_001378454.1 (MANE Select); coding-DNA position 2548, A replaced by G.
Protein change: p.Thr850Ala; replaces threonine 850 with alanine.
Molecular consequence: missense variant.
Genome position (GRCh38, 1-based): chr2:73,449,075, A>G. VCF-style: chr2-73449075-A-G. GRCh37 (hg19) VCF-style: chr2-73676202-A-G.
Other names: c.2551A>G, p.Thr851Ala (NM_015120.4); short protein forms T851A, T850A.
Identifiers: ClinVar variation 1404410 (VCV001404410.4), dbSNP rs1304119807, ClinGen allele CA347270498.
Genomic context (GRCh38, chr2:73,449,075, plus strand): 5'-CTACCCGAAGAGGCTCTGAAAGTTTCAGCTGTTTCTGGACCAGCTGACGGAAAGACTGGG[A>G]CACCAGCTGTAACCTCTACTTCCTCTGCGTCCTCTTCACTTGGAGAAAAGCCCAGTGCTT-3'
Protein context (NP_001365383.1, residues 840-860): VSGPADGKTG[Thr850Ala]PAVTSTSSAS